The following is an entry in ClinVar:

NM_020442.6(VARS2):c.-27-74A>G

Gene: VARS2 (valyl-tRNA synthetase 2, mitochondrial; plus strand). Cytogenetic location: 6p21.33.
Variant type: single nucleotide variant.
Coding change: c.-27-74A>G on transcript NM_020442.6 (MANE Select); 74 bases into the intron before 27 bases upstream of the start codon, A replaced by G.
Molecular consequence: intron variant.
Genome position (GRCh38, 1-based): chr6:30,914,736, A>G. VCF-style: chr6-30914736-A-G. GRCh37 (hg19) VCF-style: chr6-30882513-A-G.
Other names: c.59-69A>G (NM_001167734.2); c.-220+392A>G (NM_001167733.3).
Identifiers: ClinVar variation 1247754 (VCV001247754.4), dbSNP rs1264303, ClinGen allele CA12320268.

ClinVar aggregate classification (germline): Benign. Review status: criteria provided, multiple submitters, no conflicts (2 of 4 stars). 2 submissions from 2 submitters: Benign (2). Last evaluated 2024-07-31.

Allele frequency attached by ClinVar (database versions not stated): 1000 Genomes Project 30x 0.22064; 1000 Genomes Project 0.22204; TOPMed 0.26287; gnomAD 0.27857 and 0.27947; gnomAD exomes 0.33586.
gnomAD v4.1: 458,027 of 1,393,526 alleles (33%); highest among the groups gnomAD compares: Non-Finnish European, 35%; 78,916 homozygotes.

Submissions (2):

Unidad de Genómica Garrahan, Hospital de Pediatría Garrahan
Classification: Benign. Last evaluated: 2024-07-31. Review status: criteria provided, single submitter. Criteria: ACMG Guidelines, 2015. Collection method: clinical testing. Allele origin: germline. Affected: no. Observed: 41 variant alleles.
Comment: This variant is classified as Benign based on local population frequency. This variant was detected in 44% of patients studied in a panel designed for Epileptic and Developmental Encephalopathy, Progressive Myoclonus Epilepsy and Abnormal Movements and Neurodegeneration with brain iron accumulation. Number of patients: 41. Only high quality variants are reported.

GeneDx
Classification: Benign. Last evaluated: 2018-06-23. Review status: criteria provided, single submitter. Criteria: GeneDx Variant Classification Process June 2021. Collection method: clinical testing. Allele origin: germline. Affected: yes.